The following is an entry in ClinVar:

ClinVar aggregate classification (germline): Pathogenic/Likely pathogenic. Review status: criteria provided, multiple submitters, no conflicts (2 of 4 stars). 2 submissions from 2 submitters: Pathogenic (1); Likely pathogenic (1). Last evaluated 2025-07-16.

Conditions:
Familial focal epilepsy with variable foci (FPEVF). Identifiers: Orphanet 98820, MedGen C1858477, MONDO:0020310.
Inborn genetic diseases. Identifiers: MedGen C0950123, MeSH D030342.

Submissions (2):

Ambry Genetics
Classification: Likely pathogenic for Inborn genetic diseases. Last evaluated: 2025-07-16. Review status: criteria provided, single submitter. Criteria: Ambry Variant Classification Scheme 2023. Collection method: clinical testing. Allele origin: germline.
Comment: The c.193+1G>T intronic variant results from a G to T substitution one nucleotide after coding exon 3 of the DEPDC5 gene. Alterations that disrupt the canonical splice site are expected to cause aberrant splicing, resulting in an abnormal protein or a transcript that is subject to nonsense-mediated mRNA decay. This variant was not reported in population-based cohorts in the Genome Aggregation Database (gnomAD). Another variant impacting the same donor site (c.193+1G>A) has been identified in individual(s) with features consistent with familial focal epilepsy with variable foci (Dibbens, 2013). This nucleotide position is highly conserved in available vertebrate species. In silico splice site analysis predicts that this alteration will weaken the native splice donor site and may result in the creation or strengthening of a novel splice donor site. Based on the available evidence, this alteration is classified as likely pathogenic.

Labcorp Genetics (formerly Invitae), Labcorp
Classification: Pathogenic for Familial focal epilepsy with variable foci. Last evaluated: 2025-04-27. Review status: criteria provided, single submitter. Criteria: Invitae Variant Classification Sherloc (09022015). Collection method: clinical testing. Allele origin: germline.
Comment: This sequence change affects a donor splice site in intron 4 of the DEPDC5 gene. It is expected to disrupt RNA splicing. Variants that disrupt the donor or acceptor splice site typically lead to a loss of protein function (PMID: 16199547), and loss-of-function variants in DEPDC5 are known to be pathogenic (PMID: 23542697, 23542701). This variant is not present in population databases (gnomAD no frequency). Disruption of this splice site has been observed in individuals with autosomal dominant familial focal epilepsy with variable foci (PMID: 23542697, 27066554). It has also been observed to segregate with disease in related individuals. Algorithms developed to predict the effect of sequence changes on RNA splicing suggest that this variant may disrupt the consensus splice site. For these reasons, this variant has been classified as Pathogenic.

Literature cited by the submitters: PubMed 23542697 (cited by Ambry Genetics and Labcorp Genetics (formerly Invitae), Labcorp); PubMed 35786744 (cited by Ambry Genetics); PubMed 16199547 (cited by Labcorp Genetics (formerly Invitae), Labcorp); PubMed 23542701 (cited by Labcorp Genetics (formerly Invitae), Labcorp); PubMed 27066554 (cited by Labcorp Genetics (formerly Invitae), Labcorp).

NM_001242896.3(DEPDC5):c.193+1G>T

Gene: DEPDC5 (DEP domain containing 5, GATOR1 subcomplex subunit; plus strand). Cytogenetic location: 22q12.2.
Variant type: single nucleotide variant.
Coding change: c.193+1G>T on transcript NM_001242896.3 (MANE Select); the canonical splice donor site of the intron after coding-DNA position 193, G replaced by T.
Molecular consequence: splice donor variant.
Genome position (GRCh38, 1-based): chr22:31,760,703, G>T. VCF-style: chr22-31760703-G-T. GRCh37 (hg19) VCF-style: chr22-32156689-G-T.
Other names: c.193+1G>T (NM_001364318.2, NM_001136029.4, NM_014662.6 and 9 more transcripts).
Identifiers: ClinVar variation 4239657 (VCV004239657.2).
Genomic context (GRCh38, chr22:31,760,703, plus strand): 5'-CTTTCTTTTTCAGCCCTCTGCTTTTGCAGGTCAAGTCTCTTAAGGAAGATTTACAGAAGG[G>T]TAAGAATTATATCACTCTTCTTAGAATTTTTTATTTACTGCCTCAGAAACTGTAAGAAAT-3'